The following is an entry in ClinVar:

NM_000206.3(IL2RG):c.575_578del (p.Asp192fs)

Gene: IL2RG (interleukin 2 receptor subunit gamma; minus strand). Cytogenetic location: Xq13.1.
Variant type: Microsatellite.
Coding change: c.575_578del on transcript NM_000206.3 (MANE Select); coding-DNA positions 575 to 578, 4 bases deleted (ACTG; older notation c.575_578delACTG).
Protein change: p.Asp192fs; shifts the reading frame from aspartic acid 192.
Molecular consequence: frameshift variant.
Genome position (GRCh38, 1-based): chrX:71,110,172-71,110,175, CAGT deleted on the plus strand (ACTG on the coding strand, the reverse complement: IL2RG is on the minus strand); deleting any 4 consecutive bases within chrX:71,110,172-71,110,180 gives the same sequence; the c. name uses the placement nearest the transcript's 3' end. VCF-style (leftmost placement, unchanged base first): chrX-71110171-CCAGT-C. GRCh37 (hg19) VCF-style: chrX-70330021-CCAGT-C.
Other names: c.575_578delACTG (NM_000206.2); c.570_573GACT[1], p.Asp192Glyfs (NM_000206.2); short protein forms D192fs.
Identifiers: ClinVar variation 2693807 (VCV002693807.5), dbSNP rs2519646510, ClinGen allele CA2573332597.
Genomic context (GRCh38, chrX:71,110,171, plus strand): 5'-ACTTTCTTGGCCTTAGCTGCTACATTCACGTCCCTAGTCACTCACAGTCCAGCTGTGGTC[CCAGT>C]CAGTCCGGTACTGCACCAAGTGCTCCAAACAGTGGTTCAAGAATCTGTTGTTCCAGTTCA-3'

ClinVar aggregate classification (germline): Pathogenic. Review status: criteria provided, multiple submitters, no conflicts (2 of 4 stars). 3 submissions from 3 submitters: Pathogenic (3). Last evaluated 2025-05-17.

Conditions:
X-linked severe combined immunodeficiency (SCIDX1). Also called: X-Linked Combined Immunodeficiency Diseases; IMMUNODEFICIENCY 4; SCID, X-LINKED; SEVERE COMBINED IMMUNODEFICIENCY, X-LINKED, T CELL-NEGATIVE, B CELL-POSITIVE, NK CELL-NEGATIVE; T-B+ severe combined immunodeficiency due to gamma chain deficiency. Identifiers: Orphanet 276, MedGen C6022468, MONDO:0010315, OMIM 300400. Disease mechanism: loss of function.

Submissions (3):

Myriad Genetics, Inc.
Classification: Pathogenic for X-linked severe combined immunodeficiency. Last evaluated: 2025-05-17. Review status: criteria provided, single submitter. Criteria: Myriad Autosomal Dominant, Autosomal Recessive and X-Linked Classification Criteria (2023). Collection method: clinical testing. Allele origin: unknown.
Comment: NM_000206.2(IL2RG):c.575_578delACTG(D192Gfs*80) is expected to be pathogenic in the context of X-linked severe combined immunodeficiency. This variant is predicted to lead to an abnormal or absent protein product due to the creation of a premature termination codon in IL2RG, a gene where loss-of-function variants are known to be pathogenic. Please note: this variant was assessed in the context of healthy population screening.

Victorian Clinical Genetics Services, Murdoch Childrens Research Institute
Classification: Pathogenic for X-linked severe combined immunodeficiency. Last evaluated: 2023-07-17. Review status: criteria provided, single submitter. Criteria: ACMG Guidelines, 2015. Collection method: clinical testing. Allele origin: germline. Inheritance: X-linked recessive inheritance.
Comment: Based on the classification scheme VCGS_Germline_v1.3.4, this variant is classified as Pathogenic. Following criteria are met: 0102 - Loss of function is a known mechanism of disease in this gene and is associated with moderate (MIM#312863) and severe (MIM#300400) combined immunodeficiency. (I) 0109 - This gene is associated with X-linked recessive disease. (I) 0201 - Variant is predicted to cause nonsense-mediated decay (NMD) and loss of protein (premature termination codon is located at least 54 nucleotides upstream of the final exon-exon junction). (SP) 0253 - This variant is hemizygous. (I) 0301 - Variant is absent from gnomAD (both v2 and v3). (SP) 0701 - Other variants predicted to cause NMD comparable to the one identified in this case have very strong previous evidence for pathogenicity (DECIPHER). (SP) 0807 - This variant has no previous evidence of pathogenicity. (I) 0905 - No published segregation evidence has been identified for this variant. (I) 1007 - No published functional evidence has been identified for this variant. (I) Legend: (SP) - Supporting pathogenic, (I) - Information, (SB) - Supporting benign

Labcorp Genetics (formerly Invitae), Labcorp
Classification: Pathogenic for X-linked severe combined immunodeficiency. Last evaluated: 2023-05-23. Review status: criteria provided, single submitter. Criteria: Invitae Variant Classification Sherloc (09022015). Collection method: clinical testing. Allele origin: germline.
Comment: This variant has not been reported in the literature in individuals affected with IL2RG-related conditions. For these reasons, this variant has been classified as Pathogenic. This variant is not present in population databases (gnomAD no frequency). This sequence change creates a premature translational stop signal (p.Asp192Glyfs*80) in the IL2RG gene. It is expected to result in an absent or disrupted protein product. Loss-of-function variants in IL2RG are known to be pathogenic (PMID: 9058718, 10794430).

Literature cited by the submitters: PubMed 9058718 (cited by Labcorp Genetics (formerly Invitae), Labcorp); PubMed 10794430 (cited by Labcorp Genetics (formerly Invitae), Labcorp).